The following is an entry in ClinVar:

NM_005219.5(DIAPH1):c.2028C>T (p.Pro676=)

Gene: DIAPH1 (diaphanous related formin 1; minus strand). Cytogenetic location: 5q31.3.
Variant type: single nucleotide variant.
Coding change: c.2028C>T on transcript NM_005219.5 (MANE Select); coding-DNA position 2028, C replaced by T.
Protein change: p.Pro676=; no amino-acid change (proline 676 retained).
Molecular consequence: synonymous variant.
Genome position (GRCh38, 1-based): chr5:141,573,822, G>A on the plus strand (C>T on the coding strand, the complement: DIAPH1 is on the minus strand). VCF-style: chr5-141573822-G-A. GRCh37 (hg19) VCF-style: chr5-140953389-G-A.
Other names: c.2001C>T, p.Pro667= (NM_001079812.3); c.2028C>T, p.Pro676= (NM_001314007.2).
Identifiers: ClinVar variation 1118057 (VCV001118057.17), dbSNP rs769801420, ClinGen allele CA3479175.
Genomic context (GRCh38, chr5:141,573,822, plus strand): 5'-CCCAGGCAAAGGAGGTGGTGGTGGGGGGATTCTAGCACTCCCAGGCAAAGGAGGAGGTGG[G>A]GGGATGGCAGTACCTCCAGGCAAAGAAGAGGGTGAAGGGATGCCAACACCCTCAGGCAAA-3'
Protein context (NP_005210.3, residues 666-686): PSSLPGGTAI[Pro676=]PPPPLPGSAR

ClinVar aggregate classification (germline): Likely benign. Review status: criteria provided, multiple submitters, no conflicts (2 of 4 stars). 2 submissions from 2 submitters: Likely benign (2). Last evaluated 2025-09-10.

Conditions:
Progressive microcephaly-seizures-cortical blindness-developmental delay syndrome. Also called: Seizures, cortical blindness, and microcephaly syndrome. Identifiers: Orphanet 477814, MedGen C5567650, MONDO:0014714, OMIM 616632.
Autosomal dominant nonsyndromic hearing loss 1. Also called: DEAFNESS, AUTOSOMAL DOMINANT 1, WITH OR WITHOUT THROMBOCYTOPENIA; KONIGSMARK SYNDROME. Identifiers: Orphanet 90635, MedGen C1852282, MONDO:0007424, OMIM 124900.

Allele frequency attached by ClinVar (database versions not stated): gnomAD exomes 0.00001.

Submissions (2):

Labcorp Genetics (formerly Invitae), Labcorp
Classification: Likely benign for Progressive microcephaly-seizures-cortical blindness-developmental delay syndrome; Autosomal dominant nonsyndromic hearing loss 1. Last evaluated: 2025-09-10. Review status: criteria provided, single submitter. Criteria: Invitae Variant Classification Sherloc (09022015). Collection method: clinical testing. Allele origin: germline.

CeGaT Center for Human Genetics Tuebingen
Classification: Likely benign. Last evaluated: 2025-07-01. Review status: criteria provided, single submitter. Criteria: CeGaT Center For Human Genetics Tuebingen Variant Classification Criteria Version 2. Collection method: clinical testing. Allele origin: germline. Affected: yes. Observed: 1 variant allele.
Comment: DIAPH1: BP4, BP7